The following is an entry in ClinVar:

NM_032043.3(BRIP1):c.247C>T (p.Gln83Ter)

Gene: BRIP1 (BRCA1 interacting DNA helicase 1; minus strand). Cytogenetic location: 17q23.2.
Variant type: single nucleotide variant.
Coding change: c.247C>T on transcript NM_032043.3 (MANE Select); coding-DNA position 247, C replaced by T.
Protein change: p.Gln83Ter; replaces glutamine 83 with a stop codon.
Molecular consequence: nonsense.
Genome position (GRCh38, 1-based): chr17:61,857,190, G>A on the plus strand (C>T on the coding strand, the complement: BRIP1 is on the minus strand). VCF-style: chr17-61857190-G-A. GRCh37 (hg19) VCF-style: chr17-59934551-G-A.
Other names: short protein forms Q83*.
Identifiers: ClinVar variation 2583647 (VCV002583647.3), dbSNP rs756707967, ClinGen allele CA8690968.

ClinVar aggregate classification (germline): Pathogenic. Review status: criteria provided, multiple submitters, no conflicts (2 of 4 stars). 2 submissions from 2 submitters: Pathogenic (2). Last evaluated 2026-06-04.

Conditions:
Hereditary cancer-predisposing syndrome. Also called: Neoplastic Syndromes, Hereditary; Tumor predisposition; Hereditary Cancer Syndrome; Hereditary neoplastic syndrome. Identifiers: Orphanet 140162, MedGen C0027672, MeSH D009386, MONDO:0015356.
Familial cancer of breast. Also called: BREAST CANCER, FAMILIAL; Hereditary breast cancer; hereditary breast carcinoma. Identifiers: Orphanet 227535, MedGen C0346153, MONDO:0016419, OMIM 114480. Disease mechanism: loss of function.

Allele frequency attached by ClinVar (database versions not stated): ExAC 0.00001.

Submissions (2):

Ambry Genetics
Classification: Pathogenic for Hereditary cancer-predisposing syndrome. Last evaluated: 2026-06-04. Review status: criteria provided, single submitter. Criteria: Ambry Variant Classification Scheme 2023. Collection method: clinical testing. Allele origin: germline.
Comment: The p.Q83* pathogenic mutation (also known as c.247C>T), located in coding exon 3 of the BRIP1 gene, results from a C to T substitution at nucleotide position 247. This changes the amino acid from a glutamine to a stop codon within coding exon 3. This variant is considered to be rare based on population cohorts in the Genome Aggregation Database (gnomAD). This alteration is expected to result in loss of function by premature protein truncation or nonsense-mediated mRNA decay. As such, this alteration is interpreted as a disease-causing mutation.

Myriad Genetics, Inc.
Classification: Pathogenic for Familial cancer of breast. Last evaluated: 2023-05-30. Review status: criteria provided, single submitter. Criteria: Myriad Autosomal Dominant, Autosomal Recessive and X-Linked Classification Criteria (2023). Collection method: clinical testing. Allele origin: unknown.
Comment: This variant is considered pathogenic. This variant creates a termination codon and is predicted to result in premature protein truncation.